The following is an entry in ClinVar:

NM_030962.4(SBF2):c.109G>A (p.Asp37Asn)

Gene: SBF2 (SET binding factor 2; minus strand). Cytogenetic location: 11p15.4.
Variant type: single nucleotide variant.
Coding change: c.109G>A on transcript NM_030962.4 (MANE Select); coding-DNA position 109, G replaced by A.
Protein change: p.Asp37Asn; replaces aspartic acid 37 with asparagine.
Molecular consequence: missense variant.
Genome position (GRCh38, 1-based): chr11:10,193,934, C>T on the plus strand (G>A on the coding strand, the complement: SBF2 is on the minus strand). VCF-style: chr11-10193934-C-T. GRCh37 (hg19) VCF-style: chr11-10215481-C-T.
Other names: c.109G>A, p.Asp37Asn (NM_001386339.1, NM_001386342.1); short protein forms D37N.
Identifiers: ClinVar variation 1382963 (VCV001382963.5), dbSNP rs759977048, ClinGen allele CA379850558.

ClinVar aggregate classification (germline): Uncertain significance (1 of 4 stars; one submission).

Conditions:
Charcot-Marie-Tooth disease type 4. Also called: Charcot-Marie-Tooth disease, type IV; Charcot-Marie-Tooth, Type 4. Identifiers: Orphanet 64749, MedGen C4082197, MONDO:0018995.

gnomAD v4.1: 13 of 1,612,786 alleles (0.00081%); highest among the groups gnomAD compares: Non-Finnish European, 0.00093%; no homozygotes.

Submission:

Labcorp Genetics (formerly Invitae), Labcorp
Classification: Uncertain significance for Charcot-Marie-Tooth disease type 4. Last evaluated: 2021-08-30. Review status: criteria provided, single submitter. Criteria: Invitae Variant Classification Sherloc (09022015). Collection method: clinical testing. Allele origin: germline.
Comment: This sequence change replaces aspartic acid with asparagine at codon 37 of the SBF2 protein (p.Asp37Asn). The aspartic acid residue is weakly conserved and there is a small physicochemical difference between aspartic acid and asparagine. This variant is not present in population databases (ExAC no frequency). This variant has not been reported in the literature in individuals affected with SBF2-related conditions. Algorithms developed to predict the effect of missense changes on protein structure and function (SIFT, PolyPhen-2, Align-GVGD) all suggest that this variant is likely to be tolerated. In summary, the available evidence is currently insufficient to determine the role of this variant in disease. Therefore, it has been classified as a Variant of Uncertain Significance.